The following is an entry in ClinVar:

ClinVar aggregate classification (germline): Uncertain significance. Review status: criteria provided, multiple submitters, no conflicts (2 of 4 stars). 4 submissions from 4 submitters: Uncertain significance (2). 2 of the submissions do not count toward it. Last evaluated 2025-08-30.

Conditions:
Primary ciliary dyskinesia. Also called: Ciliary dyskinesia. Identifiers: Orphanet 244, MedGen C0008780, MONDO:0016575, HP:0012265.

Allele frequency attached by ClinVar (database versions not stated): gnomAD exomes below 0.00001.
gnomAD v4.1: 4 of 1,608,456 alleles (0.00025%); highest among the groups gnomAD compares: East Asian, 0.0022%; no homozygotes.

Submissions (4):

Labcorp Genetics (formerly Invitae), Labcorp
Classification: Uncertain significance for Primary ciliary dyskinesia. Last evaluated: 2025-08-30. Review status: criteria provided, single submitter. Criteria: Invitae Variant Classification Sherloc (09022015). Collection method: clinical testing. Allele origin: germline.
Comment: This sequence change replaces aspartic acid, which is acidic and polar, with glycine, which is neutral and non-polar, at codon 556 of the DNAH5 protein (p.Asp556Gly). This variant is not present in population databases (gnomAD no frequency). This missense change has been observed in individual(s) with primary ciliary dyskinesia (PMID: 19357118). ClinVar contains an entry for this variant (Variation ID: 1206242). Invitae Evidence Modeling of protein sequence and biophysical properties (such as structural, functional, and spatial information, amino acid conservation, physicochemical variation, residue mobility, and thermodynamic stability) indicates that this missense variant is not expected to disrupt DNAH5 protein function with a negative predictive value of 95%. In summary, the available evidence is currently insufficient to determine the role of this variant in disease. Therefore, it has been classified as a Variant of Uncertain Significance.

Women's Health and Genetics/Laboratory Corporation of America, LabCorp
Classification: Uncertain significance. Last evaluated: 2025-04-22. Review status: criteria provided, single submitter. Criteria: LabCorp Variant Classification Summary - May 2015. Collection method: clinical testing. Allele origin: germline.
Comment: Variant summary: DNAH5 c.1667A>G (p.Asp556Gly) results in a non-conservative amino acid change in the encoded protein sequence. Three of five in-silico tools predict a benign effect of the variant on protein function. The variant was absent in 245460 control chromosomes. The available data on variant occurrences in the general population are insufficient to allow any conclusion about variant significance. c.1667A>G has been observed in one individual affected with Primary ciliary dyskinesia, without strong evidence for causality (Failly_2009). These report(s) do not provide unequivocal conclusions about association of the variant with Primary ciliary dyskinesia 3. To our knowledge, no experimental evidence demonstrating an impact on protein function has been reported. The following publication has been ascertained in the context of this evaluation (PMID: 19357118). ClinVar contains an entry for this variant (Variation ID: 1206242). Based on the evidence outlined above, the variant was classified as uncertain significance.

Clinical Genetics DNA and cytogenetics Diagnostics Lab, Erasmus MC, Erasmus Medical Center
Classification: Uncertain significance. Review status: no assertion criteria provided. Collection method: clinical testing. Allele origin: germline. Affected: yes. Study: VKGL Data-share Consensus. Not counted in ClinVar's aggregate classification.

Laboratory of Diagnostic Genome Analysis, Leiden University Medical Center (LUMC)
Classification: Uncertain significance. Review status: no assertion criteria provided. Collection method: clinical testing. Allele origin: germline. Affected: yes. Study: VKGL Data-share Consensus. Not counted in ClinVar's aggregate classification.

Literature cited by the submitters: PubMed 19357118 (cited by Labcorp Genetics (formerly Invitae), Labcorp and Women's Health and Genetics/Laboratory Corporation of America, LabCorp).

NM_001369.3(DNAH5):c.1667A>G (p.Asp556Gly)

Gene: DNAH5 (dynein axonemal heavy chain 5; minus strand). Cytogenetic location: 5p15.2.
Variant type: single nucleotide variant.
Coding change: c.1667A>G on transcript NM_001369.3 (MANE Select); coding-DNA position 1667, A replaced by G.
Protein change: p.Asp556Gly; replaces aspartic acid 556 with glycine.
Molecular consequence: missense variant.
Genome position (GRCh38, 1-based): chr5:13,902,116, T>C on the plus strand (A>G on the coding strand, the complement: DNAH5 is on the minus strand). VCF-style: chr5-13902116-T-C. GRCh37 (hg19) VCF-style: chr5-13902225-T-C.
Other names: short protein forms D556G.
Identifiers: ClinVar variation 1206242 (VCV001206242.6), dbSNP rs1774708439, ClinGen allele CA359208483.